The following is an entry in ClinVar:

NM_000310.4(PPT1):c.733G>C (p.Gly245Arg)

Gene: PPT1 (palmitoyl-protein thioesterase 1; minus strand). Cytogenetic location: 1p34.2.
Variant type: single nucleotide variant.
Coding change: c.733G>C on transcript NM_000310.4 (MANE Select); coding-DNA position 733, G replaced by C.
Protein change: p.Gly245Arg; replaces glycine 245 with arginine.
Molecular consequence: missense variant. On other transcripts: intron variant (1).
Genome position (GRCh38, 1-based): chr1:40,076,907, C>G on the plus strand (G>C on the coding strand, the complement: PPT1 is on the minus strand). VCF-style: chr1-40076907-C-G. GRCh37 (hg19) VCF-style: chr1-40542579-C-G.
Other names: c.424G>C, p.Gly142Arg (NM_001142604.2); c.726+1653G>C (NM_001363695.2); short protein forms G245R, G142R.
Identifiers: ClinVar variation 965358 (VCV000965358.9), dbSNP rs1259755308, ClinGen allele CA339846492.

ClinVar aggregate classification (germline): Uncertain significance (1 of 4 stars; one submission).

Conditions:
Neuronal ceroid lipofuscinosis 1 (CLN1). Also called: CEROID LIPOFUSCINOSIS, NEURONAL, 1, VARIABLE AGE AT ONSET; PPT1-Related Neuronal Ceroid-Lipofuscinosis. Identifiers: Orphanet 228329, MedGen C1850451, MONDO:0009744, OMIM 256730.

Submission:

Labcorp Genetics (formerly Invitae), Labcorp
Classification: Uncertain significance for Neuronal ceroid lipofuscinosis 1. Last evaluated: 2019-11-03. Review status: criteria provided, single submitter. Criteria: Invitae Variant Classification Sherloc (09022015). Collection method: clinical testing. Allele origin: germline.
Comment: In summary, the available evidence is currently insufficient to determine the role of this variant in disease. Therefore, it has been classified as a Variant of Uncertain Significance. Algorithms developed to predict the effect of missense changes on protein structure and function are either unavailable or do not agree on the potential impact of this missense change (SIFT: "Deleterious"; PolyPhen-2: "Probably Damaging"; Align-GVGD: "Class C0"). This variant has not been reported in the literature in individuals with PPT1-related conditions. This variant is not present in population databases (ExAC no frequency). This sequence change replaces glycine with arginine at codon 245 of the PPT1 protein (p.Gly245Arg). The glycine residue is highly conserved and there is a moderate physicochemical difference between glycine and arginine.